The following is an entry in ClinVar:

NM_001353214.3(DYM):c.1830C>T (p.Tyr610=)

Gene: DYM (dymeclin; minus strand). Cytogenetic location: 18q21.1.
Variant type: single nucleotide variant.
Coding change: c.1830C>T on transcript NM_001353214.3 (MANE Select); coding-DNA position 1830, C replaced by T.
Protein change: p.Tyr610=; no amino-acid change (tyrosine 610 retained).
Molecular consequence: synonymous variant. On other transcripts: intron variant (5).
Genome position (GRCh38, 1-based): chr18:49,118,825, G>A on the plus strand (C>T on the coding strand, the complement: DYM is on the minus strand). VCF-style: chr18-49118825-G-A. GRCh37 (hg19) VCF-style: chr18-46645195-G-A.
Other names: c.1558-21310C>T (NM_001374439.1); c.994-21310C>T (NM_001374444.1); c.1561-21310C>T (NM_001374438.1); c.1564-21310C>T (NM_001353216.3); c.1729-21310C>T (NM_001353215.3); c.1662C>T, p.Tyr554= (NM_001353210.3, NM_001353211.3, NM_001374435.1); c.1827C>T, p.Tyr609= (NM_001353212.3, NM_001353213.3); c.1830C>T, p.Tyr610= (NM_001374428.1, NM_001374430.1, NM_001374431.1); and 9 more.
Identifiers: ClinVar variation 3626328 (VCV003626328.4).

ClinVar aggregate classification (germline): Likely benign. Review status: criteria provided, multiple submitters, no conflicts (2 of 4 stars). 2 submissions from 2 submitters: Likely benign (2). Last evaluated 2026-06-01.

gnomAD v4.1: 79 of 1,614,054 alleles (0.0049%); highest among the groups gnomAD compares: South Asian, 0.014%; 1 homozygote.

Submissions (2):

CeGaT Center for Human Genetics Tuebingen
Classification: Likely benign. Last evaluated: 2026-06-01. Review status: criteria provided, single submitter. Criteria: CeGaT Center For Human Genetics Tuebingen Variant Classification Criteria Version 2. Collection method: clinical testing. Allele origin: germline. Affected: yes. Observed: 1 variant allele.
Comment: DYM: BP4, BP7

Labcorp Genetics (formerly Invitae), Labcorp
Classification: Likely benign. Last evaluated: 2024-07-31. Review status: criteria provided, single submitter. Criteria: Invitae Variant Classification Sherloc (09022015). Collection method: clinical testing. Allele origin: germline.